The following is an entry in ClinVar:

ClinVar aggregate classification (germline): Benign/Likely benign. Review status: criteria provided, multiple submitters, no conflicts (2 of 4 stars). 2 submissions from 2 submitters: Benign (1); Likely benign (1). Last evaluated 2026-02-03.

Allele frequency attached by ClinVar (database versions not stated): ESP Exome Variant Server 0.00008; gnomAD 0.00009 and 0.00025; TOPMed 0.00018; gnomAD exomes 0.00047 and 0.00089; 1000 Genomes Project 30x 0.00078; ExAC 0.00089; 1000 Genomes Project 0.00100.
gnomAD v4.1: 731 of 1,613,910 alleles (0.045%); highest among the groups gnomAD compares: South Asian, 0.66%; 12 homozygotes.

Submissions (2):

Labcorp Genetics (formerly Invitae), Labcorp
Classification: Benign. Last evaluated: 2026-02-03. Review status: criteria provided, single submitter. Criteria: Invitae Variant Classification Sherloc (09022015). Collection method: clinical testing. Allele origin: germline.

CeGaT Center for Human Genetics Tuebingen
Classification: Likely benign. Last evaluated: 2022-06-01. Review status: criteria provided, single submitter. Criteria: CeGaT Center For Human Genetics Tuebingen Variant Classification Criteria Version 2. Collection method: clinical testing. Allele origin: germline. Affected: yes. Observed: 1 variant allele.
Comment: PCLO: BP4, BP7

NM_033026.6(PCLO):c.5565T>C (p.Ser1855=)

Gene: PCLO (piccolo presynaptic cytomatrix protein; minus strand). Cytogenetic location: 7q21.11.
Variant type: single nucleotide variant.
Coding change: c.5565T>C on transcript NM_033026.6 (MANE Select); coding-DNA position 5565, T replaced by C.
Protein change: p.Ser1855=; no amino-acid change (serine 1855 retained).
Molecular consequence: synonymous variant.
Genome position (GRCh38, 1-based): chr7:82,955,388, A>G on the plus strand (T>C on the coding strand, the complement: PCLO is on the minus strand). VCF-style: chr7-82955388-A-G. GRCh37 (hg19) VCF-style: chr7-82584704-A-G.
Other names: c.5565T>C, p.Ser1855= (NM_014510.3).
Identifiers: ClinVar variation 1599256 (VCV001599256.32), dbSNP rs377317961, ClinGen allele CA4320629.